The following is an entry in ClinVar:

NM_000261.2(MYOC):c.864C>T (p.Ile288=)

Gene: MYOC (myocilin; minus strand). Cytogenetic location: 1q24.3.
Variant type: single nucleotide variant.
Coding change: c.864C>T on transcript NM_000261.2 (MANE Select); coding-DNA position 864, C replaced by T.
Protein change: p.Ile288=; no amino-acid change (isoleucine 288 retained).
Molecular consequence: synonymous variant.
Genome position (GRCh38, 1-based): chr1:171,636,576, G>A on the plus strand (C>T on the coding strand, the complement: MYOC is on the minus strand). VCF-style: chr1-171636576-G-A. GRCh37 (hg19) VCF-style: chr1-171605716-G-A.
Other names: NM_000261.2(MYOC):c.864C>T; p.Ile288=.
Identifiers: ClinVar variation 874154 (VCV000874154.12), dbSNP rs181923440, ClinGen allele CA1244136.

ClinVar aggregate classification (germline): Likely benign. Review status: reviewed by expert panel (3 of 4 stars). 4 submissions from 3 submitters: Likely benign (1). 3 of the submissions do not count toward it. Last evaluated 2026-01-20.

Conditions:
Glaucoma 1, open angle, A (GLC1A). Also called: Glaucoma, Dominant (Juvenile Onset). Identifiers: Orphanet 98977, MedGen C1842028, MONDO:0007664, OMIM 137750.
Glaucoma. Identifiers: MedGen C0017601, MONDO:0005041, HP:0000501.
MYOC-related disorder. Also called: MYOC-related condition; MYOC-related disorders. Identifiers: MedGen CN239330.
Open-angle glaucoma. Identifiers: MedGen C0017612, MONDO:0005338, HP:0012108.

Allele frequency attached by ClinVar (database versions not stated): ExAC 0.00026; 1000 Genomes Project 0.00100; gnomAD exomes 0.00028; gnomAD 0.00006 and 0.00009; TOPMed 0.00017; 1000 Genomes Project 30x 0.00109.
gnomAD v4.1: 142 of 1,610,780 alleles (0.0088%); highest among the groups gnomAD compares: East Asian, 0.2%; 1 homozygote.

Submissions (4):

ClinGen Glaucoma Variant Curation Expert Panel
Classification: Likely benign for Open-angle glaucoma. Last evaluated: 2026-01-20. Review status: reviewed by expert panel. Criteria: ClinGen Glaucoma ACMG Specifications V2.0.0 Approved. Collection method: curation. Allele origin: germline. Inheritance: Autosomal dominant inheritance.
Comment: The c.864C>T variant in MYOC is a synonymous variant (p.Ile288=). The highest minor allele frequency of this variant was in the East Asian genetic ancestry group of gnomAD (v4.1.0) = 0.001962, which met the ≥ 0.001 threshold set for BS1 (88 alleles out of 44,846), meeting the threshold of ≥ 5 of at least 2,000 observed alleles). The SpliceAI score = 0.01, which met the ≤ 0.1 threshold for BP4, suggesting that the variant does not impact MYOC function. This synonymous variant meets BP4, so BP7 is met. Although probands with juvenile or primary open angle glaucoma have been reported carrying this variant, PM2_Supporting was not met, therefore PS4 did not apply. In summary, this variant met the criteria to receive a score of -6 and to be classified as likely benign (likely benign classification range -2 to -6, adapted from PMID: 32720330) for primary open angle glaucoma based on the ACMG/AMP criteria met, as specified by the ClinGen Glaucoma VCEP (v2.0.0, 5 Dec 2024): BS1, BP4, BP7.

Illumina Laboratory Services, Illumina
Classification: Benign for Glaucoma 1, open angle, A. Last evaluated: 2017-04-27. Review status: criteria provided, single submitter. Criteria: ICSL Variant Classification Criteria 13 December 2019. Collection method: clinical testing. Allele origin: germline. Not counted in ClinVar's aggregate classification.
Comment: This variant was observed as part of a predisposition screen in an ostensibly healthy population. A literature search was performed for the gene, cDNA change, and amino acid change (where applicable). Publications were found based on this search. The evidence from the literature, in combination with allele frequency data from public databases where available, was sufficient to rule this variant out of causing disease. Therefore, this variant is classified as benign.

Illumina Laboratory Services, Illumina
Classification: Likely benign for Glaucoma. Last evaluated: 2017-04-27. Review status: criteria provided, single submitter. Criteria: ICSL Variant Classification Criteria 13 December 2019. Collection method: clinical testing. Allele origin: germline. Not counted in ClinVar's aggregate classification.
Comment: This variant was observed as part of a predisposition screen in an ostensibly healthy population. A literature search was performed for the gene, cDNA change, and amino acid change (where applicable). No publications were found based on this search. Allele frequency data from public databases allowed determination this variant is unlikely to cause disease. Therefore, this variant is classified as likely benign.

PreventionGenetics, part of Exact Sciences
Classification: Likely benign for MYOC-related condition. Last evaluated: 2019-04-25. Review status: no assertion criteria provided. Collection method: clinical testing. Allele origin: germline. Not counted in ClinVar's aggregate classification.
Comment: This variant is classified as likely benign based on ACMG/AMP sequence variant interpretation guidelines (Richards et al. 2015 PMID: 25741868, with internal and published modifications).

Literature cited by the submitters: PubMed 21850185 (cited by Illumina Laboratory Services, Illumina); PubMed 16148883 (cited by Illumina Laboratory Services, Illumina); PubMed 15790895 (cited by Illumina Laboratory Services, Illumina); PubMed 27485216 (cited by Illumina Laboratory Services, Illumina).